The following is an entry in ClinVar:

NM_022437.3(ABCG8):c.1619T>C (p.Phe540Ser)

Gene: ABCG8 (ATP binding cassette subfamily G member 8; plus strand). Cytogenetic location: 2p21.
Variant type: single nucleotide variant.
Coding change: c.1619T>C on transcript NM_022437.3 (MANE Select); coding-DNA position 1619, T replaced by C.
Protein change: p.Phe540Ser; replaces phenylalanine 540 with serine.
Molecular consequence: missense variant.
Genome position (GRCh38, 1-based): chr2:43,875,276, T>C. VCF-style: chr2-43875276-T-C. GRCh37 (hg19) VCF-style: chr2-44102415-T-C.
Other names: c.1616T>C, p.Phe539Ser (NM_001357321.2); short protein forms F540S, F539S.
Identifiers: ClinVar variation 1776559 (VCV001776559.5), dbSNP rs1394612784, ClinGen allele CA346670456.

ClinVar aggregate classification (germline): Uncertain significance. Review status: criteria provided, multiple submitters, no conflicts (2 of 4 stars). 3 submissions from 3 submitters: Uncertain significance (3). Last evaluated 2024-02-20.

Conditions:
Cardiovascular phenotype. Identifiers: MedGen CN230736.

Allele frequency attached by ClinVar (database versions not stated): gnomAD 0.00001; gnomAD exomes 0.00001; TOPMed 0.00001.
gnomAD v4.1: 16 of 1,614,062 alleles (0.00099%); highest among the groups gnomAD compares: Middle Eastern, 0.033%; no homozygotes.

Submissions (3):

Blueprint Genetics
Classification: Uncertain significance. Last evaluated: 2024-02-20. Review status: criteria provided, single submitter. Criteria: ACMG Guidelines, 2015. Collection method: clinical testing. Allele origin: germline.

Labcorp Genetics (formerly Invitae), Labcorp
Classification: Uncertain significance. Last evaluated: 2022-10-26. Review status: criteria provided, single submitter. Criteria: Invitae Variant Classification Sherloc (09022015). Collection method: clinical testing. Allele origin: germline.
Comment: This sequence change replaces phenylalanine, which is neutral and non-polar, with serine, which is neutral and polar, at codon 540 of the ABCG8 protein (p.Phe540Ser). This variant is present in population databases (no rsID available, gnomAD 0.006%). This missense change has been observed in individual(s) with clinical features of ABCG8-related conditions (PMID: 32088153). Advanced modeling of protein sequence and biophysical properties (such as structural, functional, and spatial information, amino acid conservation, physicochemical variation, residue mobility, and thermodynamic stability) performed at Invitae indicates that this missense variant is not expected to disrupt ABCG8 protein function. Algorithms developed to predict the effect of sequence changes on RNA splicing suggest that this variant may disrupt the consensus splice site. In summary, the available evidence is currently insufficient to determine the role of this variant in disease. Therefore, it has been classified as a Variant of Uncertain Significance.

Ambry Genetics
Classification: Uncertain significance for Cardiovascular phenotype. Last evaluated: 2022-09-12. Review status: criteria provided, single submitter. Criteria: Ambry Variant Classification Scheme 2023. Collection method: clinical testing. Allele origin: germline.
Comment: The p.F540S variant (also known as c.1619T>C), located in coding exon 11 of the ABCG8 gene, results from a T to C substitution at nucleotide position 1619. The phenylalanine at codon 540 is replaced by serine, an amino acid with highly dissimilar properties. This amino acid position is conserved. In addition, this alteration is predicted to be tolerated by in silico analysis. Since supporting evidence is limited at this time, the clinical significance of this alteration remains unclear.

Literature cited by the submitters: PubMed 32088153 (cited by Labcorp Genetics (formerly Invitae), Labcorp).